The following is an entry in ClinVar:

NM_000168.6(GLI3):c.2615C>G (p.Ser872Cys)

Gene: GLI3 (GLI family zinc finger 3; minus strand). Cytogenetic location: 7p14.1.
Variant type: single nucleotide variant.
Coding change: c.2615C>G on transcript NM_000168.6 (MANE Select); coding-DNA position 2615, C replaced by G.
Protein change: p.Ser872Cys; replaces serine 872 with cysteine.
Molecular consequence: missense variant.
Genome position (GRCh38, 1-based): chr7:41,966,458, G>C on the plus strand (C>G on the coding strand, the complement: GLI3 is on the minus strand). VCF-style: chr7-41966458-G-C. GRCh37 (hg19) VCF-style: chr7-42006056-G-C.
Other names: short protein forms S872C.
Identifiers: ClinVar variation 2572670 (VCV002572670.2), dbSNP rs1787187346, ClinGen allele CA367320707.
Genomic context (GRCh38, chr7:41,966,458, plus strand): 5'-GCCACGCTCACGTTCTGCGGCCGGCCCTCGGCCTGTGACGCCTCGCTGGAGCGGCGGCTG[G>C]AGAAGCAGGGCGAGATCCCTGAGGAGCGGCGGCTGCTCAGGTAGGCCGAGCTGATGGTGC-3'
Protein context (NP_000159.3, residues 862-882): RRSSGISPCF[Ser872Cys]SRRSSEASQA

ClinVar aggregate classification (germline): Uncertain significance (1 of 4 stars; one submission).

Allele frequency attached by ClinVar (database versions not stated): TOPMed below 0.00001; gnomAD 0.00001.
gnomAD v4.1: 1 of 1,612,520 alleles (0.000062%); highest among the groups gnomAD compares: African/African-American, 0.0013%; no homozygotes.

Submission:

GeneDx
Classification: Uncertain significance. Last evaluated: 2024-12-12. Review status: criteria provided, single submitter. Criteria: GeneDx Variant Classification Process June 2021. Collection method: clinical testing. Allele origin: germline. Affected: yes.
Comment: Not observed at significant frequency in large population cohorts (gnomAD); In silico analysis supports that this missense variant has a deleterious effect on protein structure/function; Has not been previously published as pathogenic or benign to our knowledge